The following is an entry in ClinVar:

ClinVar aggregate classification (germline): Conflicting classifications of pathogenicity. Review status: criteria provided, conflicting classifications (1 of 4 stars). 2 submissions from 2 submitters: Uncertain significance (1); Likely benign (1). Last evaluated 2025-05-21.

Allele frequency attached by ClinVar (database versions not stated): gnomAD 0.00001; gnomAD exomes 0.00001; ExAC 0.00002; TOPMed 0.00002.
gnomAD v4.1: 14 of 1,614,008 alleles (0.00087%); highest among the groups gnomAD compares: African/African-American, 0.004%; no homozygotes.

Submissions (2):

Ambry Genetics
Classification: Uncertain significance. Last evaluated: 2025-05-21. Review status: criteria provided, single submitter. Criteria: Ambry Variant Classification Scheme 2023. Collection method: clinical testing. Allele origin: germline.

CeGaT Center for Human Genetics Tuebingen
Classification: Likely benign. Last evaluated: 2022-09-01. Review status: criteria provided, single submitter. Criteria: CeGaT Center For Human Genetics Tuebingen Variant Classification Criteria Version 2. Collection method: clinical testing. Allele origin: germline. Affected: yes. Observed: 1 variant allele.
Comment: NLRC5: BP4

NM_001384950.1(NLRC5):c.718C>T (p.Arg240Trp)

Gene: NLRC5 (NLR family CARD domain containing 5; plus strand). Cytogenetic location: 16q13.
Variant type: single nucleotide variant.
Coding change: c.718C>T on transcript NM_001384950.1 (MANE Select); coding-DNA position 718, C replaced by T.
Protein change: p.Arg240Trp; replaces arginine 240 with tryptophan.
Molecular consequence: missense variant. On other transcripts: non-coding transcript variant (9), intron variant (1).
Genome position (GRCh38, 1-based): chr16:57,025,661, C>T. VCF-style: chr16-57025661-C-T. GRCh37 (hg19) VCF-style: chr16-57059573-C-T.
Other names: c.718C>T, p.Arg240Trp (NM_001384959.1, NM_001384960.1, NM_001384961.1 and 21 more transcripts); c.718C>T (NM_032206.4); c.619-72C>T (NM_001384972.1); short protein forms R240W.
Identifiers: ClinVar variation 2646553 (VCV002646553.24), dbSNP rs758446922, ClinGen allele CA8071670.
Genomic context (GRCh38, chr16:57,025,661, plus strand): 5'-GGCCCGAGGGTGACCGTGCTTTTGGGGAAGGCTGGCATGGGCAAGACCACGCTGGCCCAC[C>T]GGCTCTGCCAGAAGTGGGCAGAGGGCCATCTGAACTGTTTCCAGGCCCTGTTCCTTTTTG-3'
Protein context (NP_001371879.1, residues 230-250): AGMGKTTLAH[Arg240Trp]LCQKWAEGHL